The following is an entry in ClinVar:

ClinVar aggregate classification (germline): Likely benign. Review status: criteria provided, single submitter (1 of 4 stars). 2 submissions from 2 submitters: Likely benign (1). 1 of the submissions does not count toward it. Last evaluated 2024-11-08.

Conditions:
NRCAM-related disorder.

Allele frequency attached by ClinVar (database versions not stated): gnomAD exomes 0.00022; ESP Exome Variant Server 0.00023; ExAC 0.00031; gnomAD 0.00055; TOPMed 0.00059.
gnomAD v4.1: 418 of 1,613,514 alleles (0.026%); highest among the groups gnomAD compares: Middle Eastern, 0.38%; 2 homozygotes.

Submissions (2):

Blueprint Genetics
Classification: Likely benign. Last evaluated: 2024-11-08. Review status: criteria provided, single submitter. Criteria: ACMG Guidelines, 2015. Collection method: clinical testing. Allele origin: germline.

PreventionGenetics, part of Exact Sciences
Classification: Likely benign for NRCAM-related condition. Last evaluated: 2019-07-11. Review status: no assertion criteria provided. Collection method: clinical testing. Allele origin: germline. Not counted in ClinVar's aggregate classification.
Comment: This variant is classified as likely benign based on ACMG/AMP sequence variant interpretation guidelines (Richards et al. 2015 PMID: 25741868, with internal and published modifications).

NM_001037132.4(NRCAM):c.2925G>A (p.Pro975=)

Gene: NRCAM (neuronal cell adhesion molecule; minus strand). Cytogenetic location: 7q31.1.
Variant type: single nucleotide variant.
Coding change: c.2925G>A on transcript NM_001037132.4 (MANE Select); coding-DNA position 2925, G replaced by A.
Protein change: p.Pro975=; no amino-acid change (proline 975 retained).
Molecular consequence: synonymous variant. On other transcripts: non-coding transcript variant (5), intron variant (1).
Genome position (GRCh38, 1-based): chr7:108,178,039, C>T on the plus strand (G>A on the coding strand, the complement: NRCAM is on the minus strand). VCF-style: chr7-108178039-C-T. GRCh37 (hg19) VCF-style: chr7-107818484-C-T.
Other names: c.2877G>A, p.Pro959= (NM_001371152.1, NM_001371157.1, NM_001371171.1 and 7 more transcripts); c.2925G>A, p.Pro975= (NM_001371153.1, NM_001371156.1, NM_001371161.1 and 10 more transcripts); c.2868G>A, p.Pro956= (NM_001371154.1, NM_001371155.1, NM_001371158.1 and 22 more transcripts); c.2895G>A, p.Pro965= (NM_001371159.1, NM_001371174.1, NM_001371150.1); c.2907G>A, p.Pro969= (NM_001371160.1); c.2580G>A, p.Pro860= (NM_001371164.1, NM_001371125.1, NM_001371142.1 and 2 more transcripts); c.2607G>A, p.Pro869= (NM_001371170.1, NM_001371179.1, NM_001371180.1 and 1 more transcripts); c.2820G>A, p.Pro940= (NM_001371182.1); and 4 more.
Identifiers: ClinVar variation 3044128 (VCV003044128.3), dbSNP rs143805055, ClinGen allele CA4438453.
Genomic context (GRCh38, chr7:108,178,039, plus strand): 5'-CAACAGCTTACTTGGCTGATACTTTAAGGTGTACTCTGTCAAAATGCCATTCGGGTGGCT[C>T]GGTGGATCCCATTCCAAAGTGAGAGAGTCCAGTGTTGGATTCACAATCTTCAAAGACGAG-3'
Protein context (NP_001032209.1, residues 965-985): LDSLTLEWDP[Pro975=]SHPNGILTEY